The following is an entry in ClinVar:

ClinVar aggregate classification (germline): Likely pathogenic. Review status: criteria provided, multiple submitters, no conflicts (2 of 4 stars). 4 submissions from 4 submitters: Likely pathogenic (4). Last evaluated 2024-03-04.

Conditions:
HPS5-related disorder. Also called: HPS5-related condition.
Hermansky-Pudlak syndrome 5 (HPS5). Identifiers: Orphanet 231512, Orphanet 79430, MedGen C3888004, MONDO:0013557, OMIM 614074.
Hermansky-Pudlak syndrome (HPS). Also called: ALBINISM WITH HEMORRHAGIC DIATHESIS AND PIGMENTED RETICULOENDOTHELIAL CELLS. Identifiers: Orphanet 79430, MedGen C0079504, MONDO:0019312.

Submissions (4):

Fulgent Genetics
Classification: Likely pathogenic for Hermansky-Pudlak syndrome 5. Last evaluated: 2024-03-04. Review status: criteria provided, single submitter. Criteria: ACMG Guidelines, 2015. Collection method: clinical testing. Allele origin: germline.

Women's Health and Genetics/Laboratory Corporation of America, LabCorp
Classification: Likely pathogenic for Hermansky-Pudlak syndrome. Last evaluated: 2023-04-17. Review status: criteria provided, single submitter. Criteria: LabCorp Variant Classification Summary - May 2015. Collection method: clinical testing. Allele origin: germline.
Comment: Variant summary: HPS5 c.478-2A>G is located in a canonical splice-site and is predicted to affect mRNA splicing resulting in a significantly altered protein due to either exon skipping, shortening, or inclusion of intronic material. Several computational tools predict a significant impact on normal splicing: Four predict the variant abolishes a canonical 3' acceptor site. Two predict the variant creates a cryptic 3' acceptor site, and one predicts it strengthens this site. However, these predictions have yet to be confirmed by functional studies. The variant was absent in 250924 control chromosomes. To our knowledge, no occurrence of c.478-2A>G in individuals affected with Hermansky-Pudlak Syndrome and no experimental evidence demonstrating its impact on protein function have been reported. No submitters have provided clinical-significance assessments for this variant to ClinVar after 2014. Based on the evidence outlined above, the variant was classified as likely pathogenic.

Labcorp Genetics (formerly Invitae), Labcorp
Classification: Likely pathogenic. Last evaluated: 2023-04-13. Review status: criteria provided, single submitter. Criteria: Invitae Variant Classification Sherloc (09022015). Collection method: clinical testing. Allele origin: germline.
Comment: In summary, the currently available evidence indicates that the variant is pathogenic, but additional data are needed to prove that conclusively. Therefore, this variant has been classified as Likely Pathogenic. Algorithms developed to predict the effect of sequence changes on RNA splicing suggest that this variant may disrupt the consensus splice site. This variant has not been reported in the literature in individuals affected with HPS5-related conditions. This variant is not present in population databases (gnomAD no frequency). This sequence change affects an acceptor splice site in intron 5 of the HPS5 gene. It is expected to disrupt RNA splicing. Variants that disrupt the donor or acceptor splice site typically lead to a loss of protein function (PMID: 16199547), and loss-of-function variants in HPS5 are known to be pathogenic (PMID: 12548288, 15296495, 21833017, 26785811).

Blueprint Genetics
Classification: Likely pathogenic for HPS5-related disorders. Last evaluated: 2022-08-08. Review status: criteria provided, single submitter. Criteria: ACMG Guidelines, 2015. Collection method: clinical testing. Allele origin: germline. Affected: yes. Observed: 1 variant allele.

Literature cited by the submitters: PubMed 16199547 (cited by Labcorp Genetics (formerly Invitae), Labcorp); PubMed 12548288 (cited by Labcorp Genetics (formerly Invitae), Labcorp); PubMed 15296495 (cited by Labcorp Genetics (formerly Invitae), Labcorp); PubMed 21833017 (cited by Labcorp Genetics (formerly Invitae), Labcorp); PubMed 26785811 (cited by Labcorp Genetics (formerly Invitae), Labcorp).

NM_181507.2(HPS5):c.478-2A>G

Gene: HPS5 (HPS5 biogenesis of lysosomal organelles complex 2 subunit 2; minus strand). Cytogenetic location: 11p15.1.
Variant type: single nucleotide variant.
Coding change: c.478-2A>G on transcript NM_181507.2 (MANE Select); the canonical splice acceptor site of the intron before coding-DNA position 478, A replaced by G.
Molecular consequence: splice acceptor variant.
Genome position (GRCh38, 1-based): chr11:18,309,081, T>C on the plus strand (A>G on the coding strand, the complement: HPS5 is on the minus strand). VCF-style: chr11-18309081-T-C. GRCh37 (hg19) VCF-style: chr11-18330628-T-C.
Other names: c.136-2A>G (NM_001440929.1, NM_181508.2, NM_001440921.1 and 10 more transcripts); c.367-2A>G (NM_001440915.1, NM_001440914.1, NM_001440913.1); c.478-2A>G (NM_001440931.1, NM_001440917.1, NM_001440906.1 and 6 more transcripts); c.403-2A>G (NM_001440907.1, NM_001440909.1, NM_001440908.1); c.292-2A>G (NM_001440918.1).
Identifiers: ClinVar variation 2503868 (VCV002503868.6), dbSNP rs2494158241, ClinGen allele CA379504199.
Genomic context (GRCh38, chr11:18,309,081, plus strand): 5'-ACACAGGAGTCAACAGTTGTGATTGTCTGAACAGGAAACATCACAAAAGCAGCAGCTGCC[T>C]AAAAGGAATGTGAGAAAGAAATAAAGTTTATTTAATCATAACATACACATGCAATCTCTT-3'